The following is an entry in ClinVar:

NM_006648.4(WNK2):c.3563G>A (p.Arg1188Gln)

Gene: WNK2 (WNK lysine deficient protein kinase 2; plus strand). Cytogenetic location: 9q22.31.
Variant type: single nucleotide variant.
Coding change: c.3563G>A on transcript NM_006648.4 (MANE Select); coding-DNA position 3563, G replaced by A.
Protein change: p.Arg1188Gln; replaces arginine 1188 with glutamine.
Molecular consequence: missense variant.
Genome position (GRCh38, 1-based): chr9:93,263,718, G>A. VCF-style: chr9-93263718-G-A. GRCh37 (hg19) VCF-style: chr9-96026000-G-A.
Other names: c.3563G>A, p.Arg1188Gln (NM_001282394.3); short protein forms R1188Q.
Identifiers: ClinVar variation 3470480 (VCV003470480.1).

ClinVar aggregate classification (germline): Uncertain significance (1 of 4 stars; one submission).

gnomAD v4.1: 14 of 1,516,818 alleles (0.00092%); highest among the groups gnomAD compares: East Asian, 0.0025%; no homozygotes.

Submission:

Ambry Genetics
Classification: Uncertain significance. Last evaluated: 2024-11-27. Review status: criteria provided, single submitter. Criteria: Ambry Variant Classification Scheme 2023. Collection method: clinical testing. Allele origin: germline.
Comment: The p.R1188Q variant (also known as c.3563G>A), located in coding exon 14 of the WNK2 gene, results from a G to A substitution at nucleotide position 3563. The arginine at codon 1188 is replaced by glutamine, an amino acid with highly similar properties. This amino acid position is conserved. In addition, this alteration is predicted to be tolerated by in silico analysis. Based on the available evidence, the clinical significance of this variant remains unclear.